The following is an entry in ClinVar:

NM_001372106.1(DNAH10):c.2405G>A (p.Gly802Glu)

Gene: DNAH10 (dynein axonemal heavy chain 10; plus strand). Cytogenetic location: 12q24.31.
Variant type: single nucleotide variant.
Coding change: c.2405G>A on transcript NM_001372106.1 (MANE Select); coding-DNA position 2405, G replaced by A.
Protein change: p.Gly802Glu; replaces glycine 802 with glutamic acid.
Molecular consequence: missense variant.
Genome position (GRCh38, 1-based): chr12:123,800,331, G>A. VCF-style: chr12-123800331-G-A. GRCh37 (hg19) VCF-style: chr12-124284878-G-A.
Other names: c.2051G>A, p.Gly684Glu (NM_207437.3); short protein forms G802E, G684E.
Identifiers: ClinVar variation 5005056 (VCV005005056.2).

ClinVar aggregate classification (germline): Uncertain significance (1 of 4 stars; one submission).

Conditions:
Spermatogenic failure 56. Identifiers: MedGen C5561978, MONDO:0030430, OMIM 619515.

Submission:

Juno Genomics, Hangzhou Juno Genomics, Inc
Classification: Uncertain significance for Spermatogenic failure 56. Review status: criteria provided, single submitter. Criteria: ACMG Guidelines, 2015. Collection method: clinical testing. Allele origin: germline.
Comment: Absent from controls (or at extremely low frequency if recessive) in Genome Aggregation Database.;Missense variant in a gene that has a low rate of benign missense variation.